The following is an entry in ClinVar:

NM_002576.5(PAK1):c.462T>C (p.Asn154=)

Gene: PAK1 (p21 (RAC1) activated kinase 1; minus strand). Cytogenetic location: 11q13.5.
Variant type: single nucleotide variant.
Coding change: c.462T>C on transcript NM_002576.5 (MANE Select); coding-DNA position 462, T replaced by C.
Protein change: p.Asn154=; no amino-acid change (asparagine 154 retained).
Molecular consequence: synonymous variant. On other transcripts: non-coding transcript variant (2).
Genome position (GRCh38, 1-based): chr11:77,374,343, A>G on the plus strand (T>C on the coding strand, the complement: PAK1 is on the minus strand). VCF-style: chr11-77374343-A-G. GRCh37 (hg19) VCF-style: chr11-77085388-A-G.
Other names: c.462T>C, p.Asn154= (NM_001128620.2, NM_001376268.1, NM_001376269.1 and 26 more transcripts); c.483T>C, p.Asn161= (NM_001376272.1); c.213T>C, p.Asn71= (NM_001376301.1); c.168T>C, p.Asn56= (NM_001376302.1, NM_001376304.1, NM_001376305.1).
Identifiers: ClinVar variation 4821200 (VCV004821200.4).
Genomic context (GRCh38, chr11:77,374,343, plus strand): 5'-ACCTCCACATCTGCCCACATCAAAATAGAGTAAATAAAGACTTACCAAGGCATTAGAAGA[A>G]TTGTAATCCTCAGCTGACTTATCTGCACAGGAAGAAAAACAAGGGACTTAGTCAATAACA-3'
Protein context (NP_002567.3, residues 144-164): SFTDKSAEDY[Asn154=]SSNALNVKAV

ClinVar aggregate classification (germline): Likely benign (1 of 4 stars; one submission).

gnomAD v4.1: 22 of 1,593,662 alleles (0.0014%); highest among the groups gnomAD compares: Non-Finnish European, 0.0018%; no homozygotes.

Submission:

CeGaT Center for Human Genetics Tuebingen
Classification: Likely benign. Last evaluated: 2026-03-01. Review status: criteria provided, single submitter. Criteria: CeGaT Center For Human Genetics Tuebingen Variant Classification Criteria Version 2. Collection method: clinical testing. Allele origin: germline. Affected: yes. Observed: 2 variant alleles.
Comment: PAK1: BP4, BP7